The following is an entry in ClinVar:

ClinVar aggregate classification (germline): Uncertain significance (1 of 4 stars; one submission).

Conditions:
Hereditary cancer-predisposing syndrome. Also called: Tumor predisposition; Hereditary Cancer Syndrome; Hereditary neoplastic syndrome; Neoplastic Syndromes, Hereditary. Identifiers: Orphanet 140162, MedGen C0027672, MeSH D009386, MONDO:0015356.

Submission:

Ambry Genetics
Classification: Uncertain significance for Hereditary cancer-predisposing syndrome. Last evaluated: 2025-05-08. Review status: criteria provided, single submitter. Criteria: Ambry Variant Classification Scheme 2023. Collection method: clinical testing. Allele origin: germline.
Comment: The p.K257E variant (also known as c.769A>G), located in coding exon 7 of the BMPR1A gene, results from an A to G substitution at nucleotide position 769. The lysine at codon 257 is replaced by glutamic acid, an amino acid with similar properties. This amino acid position is highly conserved in available vertebrate species. In addition, the in silico prediction for this alteration is inconclusive. Based on the available evidence, the clinical significance of this variant remains unclear.

NM_004329.3(BMPR1A):c.769A>G (p.Lys257Glu)

Gene: BMPR1A (bone morphogenetic protein receptor type 1A; plus strand). Cytogenetic location: 10q23.2.
Variant type: single nucleotide variant.
Coding change: c.769A>G on transcript NM_004329.3 (MANE Select); coding-DNA position 769, A replaced by G.
Protein change: p.Lys257Glu; replaces lysine 257 with glutamic acid.
Molecular consequence: missense variant.
Genome position (GRCh38, 1-based): chr10:86,917,227, A>G. VCF-style: chr10-86917227-A-G. GRCh37 (hg19) VCF-style: chr10-88676984-A-G.
Other names: short protein forms K257E.
Identifiers: ClinVar variation 486822 (VCV000486822.6), dbSNP rs1554890784, ClinGen allele CA377457846.